The following is an entry in ClinVar:

ClinVar aggregate classification (germline): Uncertain significance (1 of 4 stars; one submission).

Submission:

Labcorp Genetics (formerly Invitae), Labcorp
Classification: Uncertain significance. Last evaluated: 2023-10-28. Review status: criteria provided, single submitter. Criteria: Invitae Variant Classification Sherloc (09022015). Collection method: clinical testing. Allele origin: germline.
Comment: This sequence change replaces threonine, which is neutral and polar, with isoleucine, which is neutral and non-polar, at codon 50 of the RAB11A protein (p.Thr50Ile). This variant is not present in population databases (gnomAD no frequency). This variant has not been reported in the literature in individuals affected with RAB11A-related conditions. An algorithm developed to predict the effect of missense changes on protein structure and function (PolyPhen-2) suggests that this variant is likely to be disruptive. In summary, the available evidence is currently insufficient to determine the role of this variant in disease. Therefore, it has been classified as a Variant of Uncertain Significance.

NM_004663.5(RAB11A):c.149C>T (p.Thr50Ile)

Gene: RAB11A (RAB11A, member RAS oncogene family; plus strand). Cytogenetic location: 15q22.31.
Variant type: single nucleotide variant.
Coding change: c.149C>T on transcript NM_004663.5 (MANE Select); coding-DNA position 149, C replaced by T.
Protein change: p.Thr50Ile; replaces threonine 50 with isoleucine.
Molecular consequence: missense variant.
Genome position (GRCh38, 1-based): chr15:65,877,440, C>T. VCF-style: chr15-65877440-C-T. GRCh37 (hg19) VCF-style: chr15-66169778-C-T.
Other names: c.149C>T, p.Thr50Ile (NM_001206836.2); short protein forms T50I.
Identifiers: ClinVar variation 2772430 (VCV002772430.3), dbSNP rs2549035445, ClinGen allele CA392920350.